The following is an entry in ClinVar:

ClinVar aggregate classification (germline): Uncertain significance (1 of 4 stars; one submission).

Allele frequency attached by ClinVar (database versions not stated): gnomAD exomes below 0.00001; TOPMed 0.00001.
gnomAD v4.1: 4 of 1,614,090 alleles (0.00025%); highest among the groups gnomAD compares: Admixed American, 0.0033%; no homozygotes.

Submission:

Ambry Genetics
Classification: Uncertain significance. Last evaluated: 2023-12-24. Review status: criteria provided, single submitter. Criteria: Ambry Variant Classification Scheme 2023. Collection method: clinical testing. Allele origin: germline.
Comment: The p.F370L variant (also known as c.1108T>C), located in coding exon 5 of the MNDA gene, results from a T to C substitution at nucleotide position 1108. The phenylalanine at codon 370 is replaced by leucine, an amino acid with highly similar properties. This amino acid position is conserved. In addition, this alteration is predicted to be tolerated by in silico analysis. Since supporting evidence is limited at this time, the clinical significance of this alteration remains unclear.

NM_002432.3(MNDA):c.1108T>C (p.Phe370Leu)

Gene: MNDA (myeloid cell nuclear differentiation antigen; plus strand). Cytogenetic location: 1q23.1.
Variant type: single nucleotide variant.
Coding change: c.1108T>C on transcript NM_002432.3 (MANE Select); coding-DNA position 1108, T replaced by C.
Protein change: p.Phe370Leu; replaces phenylalanine 370 with leucine.
Molecular consequence: missense variant.
Genome position (GRCh38, 1-based): chr1:158,847,848, T>C. VCF-style: chr1-158847848-T-C. GRCh37 (hg19) VCF-style: chr1-158817638-T-C.
Other names: short protein forms F370L.
Identifiers: ClinVar variation 1794389 (VCV001794389.2), dbSNP rs1289119947, ClinGen allele CA343044563.